The following is an entry in ClinVar:

NM_002439.5(MSH3):c.2018del (p.Ile672_Leu673insTer)

Gene: MSH3 (mutS homolog 3; plus strand). Cytogenetic location: 5q14.1.
Variant type: Deletion.
Coding change: c.2018del on transcript NM_002439.5 (MANE Select); coding-DNA position 2018, one base deleted (T; older notation c.2018delT).
Protein change: p.Ile672_Leu673insTer.
Molecular consequence: nonsense.
Genome position (GRCh38, 1-based): chr5:80,768,054, T deleted; the last of 4 consecutive T bases (chr5:80,768,051-80,768,054); deleting any one gives the same sequence. VCF-style (leftmost placement, unchanged base first): chr5-80768050-AT-A. GRCh37 (hg19) VCF-style: chr5-80063869-AT-A.
Identifiers: ClinVar variation 1784488 (VCV001784488.3), dbSNP rs1744152835, ClinGen allele CA2580073588.
Genomic context (GRCh38, chr5:80,768,050, plus strand): 5'-TTTCAAGCAATAATACCTGCTGTTAATTCCCACATTCAGTCAGACTTGCTCCGGACCGTT[AT>A]TTTAGAAATTCCTGAACTCCTCAGTCCAGTGGAGCATTACTTAAAGATACTCAATGAACA-3'

ClinVar aggregate classification (germline): Pathogenic. Review status: criteria provided, multiple submitters, no conflicts (2 of 4 stars). 2 submissions from 2 submitters: Pathogenic (2). Last evaluated 2023-07-11.

Conditions:
Familial adenomatous polyposis 4 (FAP4). Also called: MSH3-related attenuated familial adenomatous polyposis. Identifiers: Orphanet 480536, MedGen C4310719, MONDO:0044300, OMIM 617100.
Hereditary cancer-predisposing syndrome. Also called: Neoplastic Syndromes, Hereditary; Tumor predisposition; Hereditary Cancer Syndrome; Hereditary neoplastic syndrome. Identifiers: Orphanet 140162, MedGen C0027672, MeSH D009386, MONDO:0015356.

Submissions (2):

Myriad Genetics, Inc.
Classification: Pathogenic for Familial adenomatous polyposis 4. Last evaluated: 2023-07-11. Review status: criteria provided, single submitter. Criteria: Myriad Autosomal Dominant, Autosomal Recessive and X-Linked Classification Criteria (2023). Collection method: clinical testing. Allele origin: unknown.
Comment: This variant is considered pathogenic. This variant creates a termination codon and is predicted to result in premature protein truncation.

Ambry Genetics
Classification: Pathogenic for Hereditary cancer-predisposing syndrome. Last evaluated: 2020-06-29. Review status: criteria provided, single submitter. Criteria: Ambry Variant Classification Scheme 2023. Collection method: clinical testing. Allele origin: germline.
Comment: The c.2018delT pathogenic mutation, located in coding exon 14 of the MSH3 gene, results from a deletion of one nucleotide at nucleotide position 2018, causing a translational frameshift with a predicted alternate stop codon (p.L673*). This alteration is expected to result in loss of function by premature protein truncation or nonsense-mediated mRNA decay. As such, this alteration is interpreted as a disease-causing mutation.